The following is an entry in ClinVar:

NM_025099.6(CTC1):c.1026C>G (p.Asp342Glu)

Gene: CTC1 (CST telomere replication complex component 1; minus strand). Cytogenetic location: 17p13.1.
Variant type: single nucleotide variant.
Coding change: c.1026C>G on transcript NM_025099.6 (MANE Select); coding-DNA position 1026, C replaced by G.
Protein change: p.Asp342Glu; replaces aspartic acid 342 with glutamic acid.
Molecular consequence: missense variant. On other transcripts: non-coding transcript variant (1).
Genome position (GRCh38, 1-based): chr17:8,236,109, G>C on the plus strand (C>G on the coding strand, the complement: CTC1 is on the minus strand). VCF-style: chr17-8236109-G-C. GRCh37 (hg19) VCF-style: chr17-8139427-G-C.
Other names: c.1026C>G (NM_025099.5); short protein forms D342E.
Identifiers: ClinVar variation 1381108 (VCV001381108.8), dbSNP rs776408496, ClinGen allele CA8372497.

ClinVar aggregate classification (germline): Uncertain significance. Review status: criteria provided, multiple submitters, no conflicts (2 of 4 stars). 3 submissions from 3 submitters: Uncertain significance (3). Last evaluated 2025-08-23.

Conditions:
Dyskeratosis congenita. Identifiers: Orphanet 1775, MedGen C0265965, MONDO:0015780.
Inborn genetic diseases. Identifiers: MedGen C0950123, MeSH D030342.

gnomAD v4.1: 30 of 1,614,060 alleles (0.0019%); highest among the groups gnomAD compares: African/African-American, 0.039%; no homozygotes.

Submissions (3):

Ambry Genetics
Classification: Uncertain significance for Inborn genetic diseases. Last evaluated: 2025-08-23. Review status: criteria provided, single submitter. Criteria: Ambry Variant Classification Scheme 2023. Collection method: clinical testing. Allele origin: germline.

Labcorp Genetics (formerly Invitae), Labcorp
Classification: Uncertain significance for Dyskeratosis congenita. Last evaluated: 2024-03-06. Review status: criteria provided, single submitter. Criteria: Invitae Variant Classification Sherloc (09022015). Collection method: clinical testing. Allele origin: germline.
Comment: This sequence change replaces aspartic acid, which is acidic and polar, with glutamic acid, which is acidic and polar, at codon 342 of the CTC1 protein (p.Asp342Glu). This variant is present in population databases (rs776408496, gnomAD 0.02%). This variant has not been reported in the literature in individuals affected with CTC1-related conditions. ClinVar contains an entry for this variant (Variation ID: 1381108). Advanced modeling of protein sequence and biophysical properties (such as structural, functional, and spatial information, amino acid conservation, physicochemical variation, residue mobility, and thermodynamic stability) performed at Invitae indicates that this missense variant is not expected to disrupt CTC1 protein function with a negative predictive value of 80%. In summary, the available evidence is currently insufficient to determine the role of this variant in disease. Therefore, it has been classified as a Variant of Uncertain Significance.

Blueprint Genetics
Classification: Uncertain significance. Last evaluated: 2022-08-31. Review status: criteria provided, single submitter. Criteria: ACMG Guidelines, 2015. Collection method: clinical testing. Allele origin: germline.